The following is an entry in ClinVar:

NM_004366.6(CLCN2):c.2201C>A (p.Pro734His)

Gene: CLCN2 (chloride voltage-gated channel 2; minus strand). Cytogenetic location: 3q27.1.
Variant type: single nucleotide variant.
Coding change: c.2201C>A on transcript NM_004366.6 (MANE Select); coding-DNA position 2201, C replaced by A.
Protein change: p.Pro734His; replaces proline 734 with histidine.
Molecular consequence: missense variant.
Genome position (GRCh38, 1-based): chr3:184,352,753, G>T on the plus strand (C>A on the coding strand, the complement: CLCN2 is on the minus strand). VCF-style: chr3-184352753-G-T. GRCh37 (hg19) VCF-style: chr3-184070541-G-T.
Other names: c.2150C>A, p.Pro717His (NM_001171087.3); c.2069C>A, p.Pro690His (NM_001171088.3); c.2201C>A, p.Pro734His (NM_001171089.3); short protein forms P734H, P717H, P690H.
Identifiers: ClinVar variation 4767014 (VCV004767014.1).

ClinVar aggregate classification (germline): Uncertain significance (1 of 4 stars; one submission).

Submission:

Labcorp Genetics (formerly Invitae), Labcorp
Classification: Uncertain significance. Last evaluated: 2025-07-30. Review status: criteria provided, single submitter. Criteria: Invitae Variant Classification Sherloc (09022015). Collection method: clinical testing. Allele origin: germline.
Comment: This sequence change replaces proline, which is neutral and non-polar, with histidine, which is basic and polar, at codon 734 of the CLCN2 protein (p.Pro734His). This variant is not present in population databases (gnomAD no frequency). This variant has not been reported in the literature in individuals affected with CLCN2-related conditions. Invitae Evidence Modeling of protein sequence and biophysical properties (such as structural, functional, and spatial information, amino acid conservation, physicochemical variation, residue mobility, and thermodynamic stability) indicates that this missense variant is not expected to disrupt CLCN2 protein function with a negative predictive value of 80%. In summary, the available evidence is currently insufficient to determine the role of this variant in disease. Therefore, it has been classified as a Variant of Uncertain Significance.